The following is an entry in ClinVar:

ClinVar aggregate classification (germline): Uncertain significance (1 of 4 stars; one submission).

Conditions:
TTN-related disorder. Also called: TTN-related disorders; TTN-related condition; TTN-related disease.

Submission:

PreventionGenetics, part of Exact Sciences
Classification: Uncertain significance for TTN-related condition. Last evaluated: 2026-09-20. Review status: criteria provided, single submitter. Criteria: ACMG Guidelines, 2015. Collection method: clinical testing. Allele origin: germline.
Comment: The TTN c.22342A>C variant is predicted to result in the amino acid substitution p.Ile7448Leu. To our knowledge, this variant has not been reported in the literature or in a large population database (gnomAD), indicating this variant is rare. At this time, the clinical significance of this variant is uncertain due to the absence of conclusive functional and genetic evidence.

NM_001267550.2(TTN):c.22342A>C (p.Ile7448Leu)

Gene: TTN (titin; minus strand). Cytogenetic location: 2q31.2.
Variant type: single nucleotide variant.
Coding change: c.22342A>C on transcript NM_001267550.2 (MANE Select); coding-DNA position 22342, A replaced by C.
Protein change: p.Ile7448Leu; replaces isoleucine 7448 with leucine.
Molecular consequence: missense variant. On other transcripts: intron variant (3).
Genome position (GRCh38, 1-based): chr2:178,722,445, T>G on the plus strand (A>C on the coding strand, the complement: TTN is on the minus strand). VCF-style: chr2-178722445-T-G. GRCh37 (hg19) VCF-style: chr2-179587172-T-G.
Other names: c.21391A>C, p.Ile7131Leu (NM_001256850.1); c.18610A>C, p.Ile6204Leu (NM_133378.4); c.13282+15637A>C (NM_003319.4); c.13858+15637A>C (NM_133437.4); c.13657+15637A>C (NM_133432.3); short protein forms I6204L, I7131L, I7448L.
Identifiers: ClinVar variation 4993151 (VCV004993151.1).